The following is an entry in ClinVar:

NM_004646.4(NPHS1):c.3524del (p.Leu1175fs)

Gene: NPHS1 (NPHS1 adhesion molecule, nephrin; minus strand). Cytogenetic location: 19q13.12.
Variant type: Deletion.
Coding change: c.3524del on transcript NM_004646.4 (MANE Select); coding-DNA position 3524, one base deleted (T; older notation c.3524delT).
Protein change: p.Leu1175fs; shifts the reading frame from leucine 1175.
Molecular consequence: frameshift variant.
Genome position (GRCh38, 1-based): chr19:35,830,914, A deleted on the plus strand (T on the coding strand, the reverse complement: NPHS1 is on the minus strand); the first of 2 consecutive A bases (chr19:35,830,914-35,830,915); deleting either gives the same sequence. VCF-style (leftmost placement, unchanged base first): chr19-35830913-CA-C. GRCh37 (hg19) VCF-style: chr19-36321815-CA-C.
Other names: c.3524delT (NM_004646.3); short protein forms L1175fs.
Identifiers: ClinVar variation 3254688 (VCV003254688.1), dbSNP rs2527606158.

ClinVar aggregate classification (germline): Pathogenic (1 of 4 stars; one submission).

Conditions:
Finnish congenital nephrotic syndrome (NPHS1). Also called: NEPHROTIC SYNDROME, TYPE 1. Identifiers: Orphanet 839, MedGen C0403399, MONDO:0009732, OMIM 256300.

Submission:

Victorian Clinical Genetics Services, Murdoch Childrens Research Institute
Classification: Pathogenic for Finnish congenital nephrotic syndrome. Last evaluated: 2023-07-17. Review status: criteria provided, single submitter. Criteria: ACMG Guidelines, 2015. Collection method: clinical testing. Allele origin: germline. Inheritance: Autosomal recessive inheritance. Affected: yes.
Comment: Based on the classification scheme VCGS_Germline_v1.3.4, this variant is classified as Pathogenic. Following criteria are met: 0102 - Loss of function is a known mechanism of disease in this gene and is associated with Nephrotic syndrome, type 1 (MIM#256300). (I) 0106 - This gene is associated with autosomal recessive disease. (I) 0201 - Variant is predicted to cause nonsense-mediated decay (NMD) and loss of protein (premature termination codon is located at least 54 nucleotides upstream of the final exon-exon junction). (SP) 0251 - This variant is heterozygous. (I) 0301 - Variant is absent from gnomAD (both v2 and v3). (SP) 0701 - Other variants predicted to cause NMD comparable to the one identified in this case have very strong previous evidence for pathogenicity (DECIPHER). (SP) 0807 - This variant has no previous evidence of pathogenicity. (I) 0905 - No published segregation evidence has been identified for this variant. (I) 1007 - No published functional evidence has been identified for this variant. (I) Legend: (SP) - Supporting pathogenic, (I) - Information, (SB) - Supporting benign